The following is an entry in ClinVar:

NM_004069.6(AP2S1):c.44G>A (p.Arg15His)

Gene: AP2S1 (adaptor related protein complex 2 subunit sigma 1; minus strand). Cytogenetic location: 19q13.32.
Variant type: single nucleotide variant.
Coding change: c.44G>A on transcript NM_004069.6 (MANE Select); coding-DNA position 44, G replaced by A.
Protein change: p.Arg15His; replaces arginine 15 with histidine.
Molecular consequence: missense variant.
Genome position (GRCh38, 1-based): chr19:46,846,102, C>T on the plus strand (G>A on the coding strand, the complement: AP2S1 is on the minus strand). VCF-style: chr19-46846102-C-T. GRCh37 (hg19) VCF-style: chr19-47349359-C-T.
Other names: c.92G>A, p.Arg31His (NM_001301076.3); c.44G>A, p.Arg15His (NM_001301078.3, NM_021575.5); c.50G>A, p.Arg17His (NM_001301081.3); short protein forms R15H, R31H, R17H.
Identifiers: ClinVar variation 39426 (VCV000039426.17), dbSNP rs397514499, ClinGen allele CA130283.
Genomic context (GRCh38, chr19:46,846,102, plus strand): 5'-ACCTCCTCGATCAGCTTCTGTTTCTCATCATCATCAAACTGCATGTACCACTTGGCCAGG[C>T]GCGTCTTGCCTGCCCGGTTCTGGATGAGGATAAAGCGGATCTGGGGGCAGCAGGAGGAGA-3'
Protein context (NP_004060.2, residues 5-25): ILIQNRAGKT[Arg15His]LAKWYMQFDD

ClinVar aggregate classification (germline): Pathogenic/Likely pathogenic. Review status: criteria provided, multiple submitters, no conflicts (2 of 4 stars). 9 submissions from 9 submitters: Pathogenic (6); Likely pathogenic (1). 2 of the submissions do not count toward it. Last evaluated 2025-01-19.

Conditions:
AP2S1-related disorder. Also called: AP2S1-related condition.
Familial hyperparathyroidism or Hypocalciuric hypercalcaemia.
Familial hypocalciuric hypercalcemia 3. Also called: FAMILIAL BENIGN HYPERCALCEMIA, TYPE III; HYPERCALCEMIA, FAMILIAL BENIGN, OKLAHOMA TYPE; Hypocalciuric hypercalcemia, type III; Hypocalciuric hypercalcemia, familial, type III. Identifiers: Orphanet 101050, Orphanet 405, MedGen C1833372, MONDO:0010926, OMIM 600740.

Allele frequency attached by ClinVar (database versions not stated): gnomAD exomes 0.00001.
gnomAD v4.1: 3 of 1,614,078 alleles (0.00019%); highest among the groups gnomAD compares: Non-Finnish European, 0.00025%; no homozygotes.

Submissions (9):

Labcorp Genetics (formerly Invitae), Labcorp
Classification: Pathogenic. Last evaluated: 2025-01-19. Review status: criteria provided, single submitter. Criteria: Invitae Variant Classification Sherloc (09022015). Collection method: clinical testing. Allele origin: germline.
Comment: This sequence change replaces arginine, which is basic and polar, with histidine, which is basic and polar, at codon 15 of the AP2S1 protein (p.Arg15His). This variant is not present in population databases (gnomAD no frequency). This missense change has been observed in individuals with AP2S1-related conditions (PMID: 23222959, 24731014, 26082470, 27050234, 27761240, 29325022). ClinVar contains an entry for this variant (Variation ID: 39426). An algorithm developed to predict the effect of missense changes on protein structure and function (PolyPhen-2) suggests that this variant¬†is likely to be tolerated. Experimental studies have shown that this missense change affects AP2S1 function (PMID: 23222959, 26082470, 29325022, 29420171). This variant disrupts the p.Arg15 amino acid residue in AP2S1. Other variant(s) that disrupt this residue have been determined to be pathogenic (PMID: 23222959, 24731014, 26082470, 27050234). This suggests that this residue is clinically significant, and that variants that disrupt this residue are likely to be disease-causing. For these reasons, this variant has been classified as Pathogenic.

Cambridge Genomics Laboratory, East Genomic Laboratory Hub, NHS Genomic Medicine Service
Classification: Likely pathogenic for Familial hyperparathyroidism or Hypocalciuric hypercalcaemia. Last evaluated: 2024-08-21. Review status: criteria provided, single submitter. Criteria: ACGS Best Practice Guidelines for Variant Classification in Rare Disease 2020. Collection method: clinical testing. Allele origin: germline. Affected: yes.
Comment: PS4_Moderate,PM1,PM2,PP4

Revvity Omics, Revvity
Classification: Pathogenic for Familial hypocalciuric hypercalcemia 3. Last evaluated: 2024-08-20. Review status: criteria provided, single submitter. Criteria: ACMG Guidelines, 2015. Collection method: clinical testing. Allele origin: germline.

Cardiovascular Genetics Laboratory, PathWest Laboratory Medicine WA - Fiona Stanley Hospital
Classification: Pathogenic for Familial hypocalciuric hypercalcemia 3. Last evaluated: 2023-09-11. Review status: criteria provided, single submitter. Criteria: ACMG Guidelines, 2015. Collection method: clinical testing. Allele origin: germline.
Comment: AP2S1 p.Arg15His is one of several pathogenic variants affecting Arg15 and causing familial hypocalciuric hypercalcaemia (FHH) type 3. Functional studies demonstrate decreased sensitivity of p.Arg15His to extracellular calcium and impaired calcium-sensing receptor internalisation (PMID: 23222959, 29420171).

GeneDx
Classification: Pathogenic. Last evaluated: 2023-08-31. Review status: criteria provided, single submitter. Criteria: GeneDx Variant Classification Process June 2021. Collection method: clinical testing. Allele origin: germline. Affected: yes.
Comment: Published functional studies demonstrate a decreased sensitivity to extracellular calcium and reduced CaSR endocytosis (Nesbit et al., 2013; Gorvin CM et al., 2018); In silico analysis supports that this missense variant has a deleterious effect on protein structure/function; Not observed at significant frequency in large population cohorts (gnomAD); This variant is associated with the following publications: (PMID: 32047691, 26082470, 27913609, 24731014, 27761240, 27050234, 25993639, 23222959, 29325022, 29420171)

Genetics and Molecular Pathology, SA Pathology
Classification: Pathogenic for Familial hypocalciuric hypercalcemia 3. Last evaluated: 2022-07-15. Review status: criteria provided, single submitter. Criteria: ACMG Guidelines, 2015. Collection method: clinical testing. Allele origin: germline. Inheritance: Autosomal dominant inheritance. Affected: yes.

Clinical Genetics Service, Universitary Hospital 12 de Octubre
Classification: Pathogenic for Familial hypocalciuric hypercalcemia 3. Review status: criteria provided, single submitter. Criteria: ACMG Guidelines, 2015. Collection method: clinical testing. Allele origin: germline. Affected: yes.

PreventionGenetics, part of Exact Sciences
Classification: Pathogenic for AP2S1-related condition. Last evaluated: 2024-09-13. Review status: no assertion criteria provided. Collection method: clinical testing. Allele origin: germline. Not counted in ClinVar's aggregate classification.
Comment: The AP2S1 c.44G>A variant is predicted to result in the amino acid substitution p.Arg15His. This variant has been repeatedly reported in individuals with familial hypocalciuric hypercalcemia (Nesbit et al. 2012. PubMed ID: 23222959; Hendy et al. 2014. PubMed ID: 24731014; Hannan et al. 2015. PubMed ID: 26082470; Aashiq et al 2020. PubMed ID: 32047691). This variant has not been reported in a large population database, indicating this variant is rare. Other amino acid substitutions at this position (p.Arg15Leu, p.Arg15Cys) have also been reported in patients with hypocalciuric hypercalcemia (Hendy GN et al 2014. PubMed ID: 24731014; Nesbit MA et al 2012. PubMed ID: 23222959). This variant is interpreted as pathogenic.

OMIM
Classification: Pathogenic for HYPOCALCIURIC HYPERCALCEMIA, FAMILIAL, TYPE III. Last evaluated: 2013-01-01. Review status: no assertion criteria provided. Collection method: literature only. Allele origin: germline. Not counted in ClinVar's aggregate classification.

Literature cited by the submitters: PubMed 23222959 (cited by 3 submitters); PubMed 24731014 (cited by Labcorp Genetics (formerly Invitae), Labcorp); PubMed 26082470 (cited by Labcorp Genetics (formerly Invitae), Labcorp); PubMed 27050234 (cited by Labcorp Genetics (formerly Invitae), Labcorp); PubMed 27761240 (cited by Labcorp Genetics (formerly Invitae), Labcorp); PubMed 29325022 (cited by Labcorp Genetics (formerly Invitae), Labcorp); PubMed 29420171 (cited by Labcorp Genetics (formerly Invitae), Labcorp and Cardiovascular Genetics Laboratory, PathWest Laboratory Medicine WA - Fiona Stanley Hospital).